The following is an entry in ClinVar:

NM_006767.4(LZTR1):c.1810_1814delinsGAGTC (p.Lys604_Glu605delinsGluSer)

Gene: LZTR1 (leucine zipper like post translational regulator 1; plus strand). Cytogenetic location: 22q11.21.
Variant type: Indel.
Coding change: c.1810_1814delinsGAGTC on transcript NM_006767.4 (MANE Select); coding-DNA positions 1810 to 1814, AAGGA replaced by GAGTC.
Protein change: p.Lys604_Glu605delinsGluSer.
Molecular consequence: missense variant.
Genome position (GRCh38, 1-based): chr22:20,994,894-20,994,898, AAGGA replaced by GAGTC. VCF-style: chr22-20994894-AAGGA-GAGTC. GRCh37 (hg19) VCF-style: chr22-21349183-AAGGA-GAGTC.
Identifiers: ClinVar variation 4538932 (VCV004538932.1).

ClinVar aggregate classification (germline): Uncertain significance (1 of 4 stars; one submission).

Submission:

GeneDx
Classification: Uncertain significance. Last evaluated: 2025-06-20. Review status: criteria provided, single submitter. Criteria: GeneDx Variant Classification Process June 2021. Collection method: clinical testing. Allele origin: germline. Affected: yes.
Comment: Not observed at significant frequency in large population cohorts (gnomAD); In silico analysis suggests that this variant does not alter protein structure/function; Has not been previously published as pathogenic or benign to our knowledge